The following is an entry in ClinVar:

ClinVar aggregate classification (germline): Uncertain significance. Review status: criteria provided, multiple submitters, no conflicts (2 of 4 stars). 2 submissions from 2 submitters: Uncertain significance (2). Last evaluated 2024-11-15.

Conditions:
Inborn genetic diseases. Identifiers: MedGen C0950123, MeSH D030342.

Allele frequency attached by ClinVar (database versions not stated): TOPMed 0.00001; gnomAD 0.00002; gnomAD exomes 0.00002; ExAC 0.00004.
gnomAD v4.1: 34 of 1,614,020 alleles (0.0021%); highest among the groups gnomAD compares: Middle Eastern, 0.016%; no homozygotes.

Submissions (2):

Labcorp Genetics (formerly Invitae), Labcorp
Classification: Uncertain significance. Last evaluated: 2024-11-15. Review status: criteria provided, single submitter. Criteria: Invitae Variant Classification Sherloc (09022015). Collection method: clinical testing. Allele origin: germline.
Comment: This sequence change replaces arginine, which is basic and polar, with glutamine, which is neutral and polar, at codon 1607 of the MYH3 protein (p.Arg1607Gln). This variant is present in population databases (rs768530639, gnomAD 0.006%). This variant has not been reported in the literature in individuals affected with MYH3-related conditions. ClinVar contains an entry for this variant (Variation ID: 2412289). Invitae Evidence Modeling of protein sequence and biophysical properties (such as structural, functional, and spatial information, amino acid conservation, physicochemical variation, residue mobility, and thermodynamic stability) indicates that this missense variant is not expected to disrupt MYH3 protein function with a negative predictive value of 95%. In summary, the available evidence is currently insufficient to determine the role of this variant in disease. Therefore, it has been classified as a Variant of Uncertain Significance.

Ambry Genetics
Classification: Uncertain significance for Inborn genetic diseases. Last evaluated: 2022-03-23. Review status: criteria provided, single submitter. Criteria: Ambry Variant Classification Scheme 2023. Collection method: clinical testing. Allele origin: germline.

NM_002470.4(MYH3):c.4820G>A (p.Arg1607Gln)

Gene: MYH3 (myosin heavy chain 3; minus strand). Cytogenetic location: 17p13.1.
Variant type: single nucleotide variant.
Coding change: c.4820G>A on transcript NM_002470.4 (MANE Select); coding-DNA position 4820, G replaced by A.
Protein change: p.Arg1607Gln; replaces arginine 1607 with glutamine.
Molecular consequence: missense variant.
Genome position (GRCh38, 1-based): chr17:10,632,612, C>T on the plus strand (G>A on the coding strand, the complement: MYH3 is on the minus strand). VCF-style: chr17-10632612-C-T. GRCh37 (hg19) VCF-style: chr17-10535929-C-T.
Other names: short protein forms R1607Q.
Identifiers: ClinVar variation 2412289 (VCV002412289.4), dbSNP rs768530639, ClinGen allele CA8392109.